The following is an entry in ClinVar:

NM_015057.5(MYCBP2):c.832T>G (p.Ser278Ala)

Gene: MYCBP2 (MYC binding protein 2; minus strand). Cytogenetic location: 13q22.3.
Variant type: single nucleotide variant.
Coding change: c.832T>G on transcript NM_015057.5 (MANE Select); coding-DNA position 832, T replaced by G.
Protein change: p.Ser278Ala; replaces serine 278 with alanine.
Molecular consequence: missense variant.
Genome position (GRCh38, 1-based): chr13:77,273,585, A>C on the plus strand (T>G on the coding strand, the complement: MYCBP2 is on the minus strand). VCF-style: chr13-77273585-A-C. GRCh37 (hg19) VCF-style: chr13-77847720-A-C.
Other names: short protein forms S278A.
Identifiers: ClinVar variation 3375925 (VCV003375925.1).

ClinVar aggregate classification (germline): Uncertain significance (1 of 4 stars; one submission).

Submission:

GeneDx
Classification: Uncertain significance. Last evaluated: 2024-05-06. Review status: criteria provided, single submitter. Criteria: GeneDx Variant Classification Process June 2021. Collection method: clinical testing. Allele origin: germline. Affected: yes.
Comment: Not observed at significant frequency in large population cohorts (gnomAD); In silico analysis indicates that this missense variant does not alter protein structure/function; Has not been previously published as pathogenic or benign to our knowledge